The following is an entry in ClinVar:

ClinVar aggregate classification (germline): Likely benign. Review status: criteria provided, multiple submitters, no conflicts (2 of 4 stars). 3 submissions from 3 submitters: Likely benign (3). Last evaluated 2025-12-21.

Conditions:
Early-infantile DEE. Also called: Ohtahara syndrome; Early infantile epileptic encephalopathy; Early infantile epileptic encephalopathy with suppression bursts. Identifiers: Orphanet 1934, MedGen C0393706, MONDO:0800491.
Inborn genetic diseases. Identifiers: MedGen C0950123, MeSH D030342.

Allele frequency attached by ClinVar (database versions not stated): TOPMed 0.00011; ESP Exome Variant Server 0.00008; gnomAD 0.00009 and 0.00010.
gnomAD v4.1: 193 of 1,600,288 alleles (0.012%); highest among the groups gnomAD compares: Non-Finnish European, 0.015%; no homozygotes.

Submissions (3):

Labcorp Genetics (formerly Invitae), Labcorp
Classification: Likely benign for Early-infantile DEE. Last evaluated: 2025-12-21. Review status: criteria provided, single submitter. Criteria: Invitae Variant Classification Sherloc (09022015). Collection method: clinical testing. Allele origin: germline.

GeneDx
Classification: Likely benign. Last evaluated: 2020-08-25. Review status: criteria provided, single submitter. Criteria: GeneDx Variant Classification Process June 2021. Collection method: clinical testing. Allele origin: germline. Affected: yes.
Comment: This variant is associated with the following publications: (PMID: 24136861)

Ambry Genetics
Classification: Likely benign for Inborn genetic diseases. Last evaluated: 2017-11-13. Review status: criteria provided, single submitter. Criteria: Ambry Variant Classification Scheme 2023. Collection method: clinical testing. Allele origin: germline.

NM_172107.4(KCNQ2):c.2330C>G (p.Pro777Arg)

Gene: KCNQ2 (potassium voltage-gated channel subfamily Q member 2; minus strand). Cytogenetic location: 20q13.33.
Variant type: single nucleotide variant.
Coding change: c.2330C>G on transcript NM_172107.4 (MANE Select); coding-DNA position 2330, C replaced by G.
Protein change: p.Pro777Arg; replaces proline 777 with arginine.
Molecular consequence: missense variant.
Genome position (GRCh38, 1-based): chr20:63,406,933, G>C on the plus strand (C>G on the coding strand, the complement: KCNQ2 is on the minus strand). VCF-style: chr20-63406933-G-C. GRCh37 (hg19) VCF-style: chr20-62038286-G-C.
Other names: p.P777R:CCC>CGC; c.2246C>G, p.Pro749Arg (NM_004518.6); c.2276C>G, p.Pro759Arg (NM_172106.3); c.2237C>G, p.Pro746Arg (NM_172108.5); short protein forms P777R, P746R, P749R, P759R.
Identifiers: ClinVar variation 205851 (VCV000205851.16), dbSNP rs142729516, ClinGen allele CA315321.